The following is an entry in ClinVar:

ClinVar aggregate classification (germline): Benign (0 of 4 stars; one submission).

Conditions:
TOPBP1-related disorder. Also called: TOPBP1-related condition.

Allele frequency attached by ClinVar (database versions not stated): 1000 Genomes Project 0.08107; 1000 Genomes Project 30x 0.08120; TOPMed 0.14033; ExAC 0.14183; gnomAD 0.14431; ESP Exome Variant Server 0.15965; gnomAD exomes 0.18200.
gnomAD v4.1: 286,754 of 1,611,570 alleles (18%); highest among the groups gnomAD compares: Non-Finnish European, 21%; 28,148 homozygotes.

Submission:

PreventionGenetics, part of Exact Sciences
Classification: Benign for TOPBP1-related condition. Last evaluated: 2019-10-28. Review status: no assertion criteria provided. Collection method: clinical testing. Allele origin: germline.
Comment: This variant is classified as benign based on ACMG/AMP sequence variant interpretation guidelines (Richards et al. 2015 PMID: 25741868, with internal and published modifications).

NM_007027.4(TOPBP1):c.1911T>C (p.Val637=)

Gene: TOPBP1 (DNA topoisomerase II binding protein 1; minus strand). Cytogenetic location: 3q22.1.
Variant type: single nucleotide variant.
Coding change: c.1911T>C on transcript NM_007027.4 (MANE Select); coding-DNA position 1911, T replaced by C.
Protein change: p.Val637=; no amino-acid change (valine 637 retained).
Molecular consequence: synonymous variant.
Genome position (GRCh38, 1-based): chr3:133,643,310, A>G on the plus strand (T>C on the coding strand, the complement: TOPBP1 is on the minus strand). VCF-style: chr3-133643310-A-G. GRCh37 (hg19) VCF-style: chr3-133362154-A-G.
Other names: c.1896T>C, p.Val632= (NM_001363889.2).
Identifiers: ClinVar variation 3059429 (VCV003059429.2), dbSNP rs17301889, ClinGen allele CA2624369.